The following is an entry in ClinVar:

ClinVar aggregate classification (germline): Uncertain significance. Review status: criteria provided, multiple submitters, no conflicts (2 of 4 stars). 2 submissions from 2 submitters: Uncertain significance (2). Last evaluated 2025-03-22.

Conditions:
Cardiovascular phenotype. Identifiers: MedGen CN230736.

Allele frequency attached by ClinVar (database versions not stated): gnomAD 0.00005 and 0.00007; ExAC 0.00005; gnomAD exomes 0.00005; TOPMed 0.00015.
gnomAD v4.1: 85 of 1,613,568 alleles (0.0053%); highest among the groups gnomAD compares: Middle Eastern, 0.016%; no homozygotes.

Submissions (2):

Ambry Genetics
Classification: Uncertain significance for Cardiovascular phenotype. Last evaluated: 2025-03-22. Review status: criteria provided, single submitter. Criteria: Ambry Variant Classification Scheme 2023. Collection method: clinical testing. Allele origin: germline.
Comment: The p.V3066M variant (also known as c.9196G>A), located in coding exon 26 of the TNXB gene, results from a G to A substitution at nucleotide position 9196. The valine at codon 3066 is replaced by methionine, an amino acid with highly similar properties. This amino acid position is well conserved in available vertebrate species. In addition, this alteration is predicted to be tolerated by in silico analysis. Based on the available evidence, the clinical significance of this variant remains unclear.

GeneDx
Classification: Uncertain significance. Last evaluated: 2024-04-12. Review status: criteria provided, single submitter. Criteria: GeneDx Variant Classification Process June 2021. Collection method: clinical testing. Allele origin: germline. Affected: yes.
Comment: In silico analysis supports that this missense variant does not alter protein structure/function; Has not been previously published as pathogenic or benign to our knowledge

NM_001365276.2(TNXB):c.9202G>A (p.Val3068Met)

Gene: TNXB (tenascin XB; minus strand). Cytogenetic location: 6p21.33.
Variant type: single nucleotide variant.
Coding change: c.9202G>A on transcript NM_001365276.2 (MANE Select); coding-DNA position 9202, G replaced by A.
Protein change: p.Val3068Met; replaces valine 3068 with methionine.
Molecular consequence: missense variant.
Genome position (GRCh38, 1-based): chr6:32,050,235, C>T on the plus strand (G>A on the coding strand, the complement: TNXB is on the minus strand). VCF-style: chr6-32050235-C-T. GRCh37 (hg19) VCF-style: chr6-32018012-C-T.
Other names: c.9196G>A, p.Val3066Met (NM_019105.8); short protein forms V3066M, V3068M.
Identifiers: ClinVar variation 1321656 (VCV001321656.7), dbSNP rs777978006, ClinGen allele CA3733599.